The following is an entry in ClinVar:

ClinVar aggregate classification (germline): Uncertain significance (1 of 4 stars; one submission).

Conditions:
Cardiovascular phenotype. Identifiers: MedGen CN230736.

Submission:

Ambry Genetics
Classification: Uncertain significance for Cardiovascular phenotype. Last evaluated: 2025-05-03. Review status: criteria provided, single submitter. Criteria: Ambry Variant Classification Scheme 2023. Collection method: clinical testing. Allele origin: germline.
Comment: The p.K13T variant (also known as c.38A>C), located in coding exon 1 of the PRDM5 gene, results from an A to C substitution at nucleotide position 38. The lysine at codon 13 is replaced by threonine, an amino acid with similar properties. This amino acid position is conserved. In addition, this alteration is predicted to be tolerated by in silico analysis. Based on the available evidence, the clinical significance of this variant remains unclear.

NM_018699.4(PRDM5):c.38A>C (p.Lys13Thr)

Gene: PRDM5 (PR/SET domain 5; minus strand). Cytogenetic location: 4q27.
Variant type: single nucleotide variant.
Coding change: c.38A>C on transcript NM_018699.4 (MANE Select); coding-DNA position 38, A replaced by C.
Protein change: p.Lys13Thr; replaces lysine 13 with threonine.
Molecular consequence: missense variant.
Genome position (GRCh38, 1-based): chr4:120,922,571, T>G on the plus strand (A>C on the coding strand, the complement: PRDM5 is on the minus strand). VCF-style: chr4-120922571-T-G. GRCh37 (hg19) VCF-style: chr4-121843726-T-G.
Other names: c.38A>C, p.Lys13Thr (NM_001300823.2, NM_001300824.2, NM_001379104.1 and 1 more transcripts); short protein forms K13T.
Identifiers: ClinVar variation 3937789 (VCV003937789.1).
Genomic context (GRCh38, chr4:120,922,571, plus strand): 5'-CCCACCTTTCGCACTCTGCGGGCCGTGTAGAGCCCCATGCCGTCCTGAACCCGGGAGGAC[T>G]TCAGGGAGAACCTGTCCGGCACGTACATGCCCAGCATTTTCCCGGGCGCGGCGGCCGCCG-3'
Protein context (NP_061169.2, residues 3-23): GMYVPDRFSL[Lys13Thr]SSRVQDGMGL